The following is an entry in ClinVar:

NM_006796.3(AFG3L2):c.215-11_215-6del

Gene: AFG3L2 (AFG3 like matrix AAA peptidase subunit 2; minus strand). Cytogenetic location: 18p11.21.
Variant type: Microsatellite.
Coding change: c.215-11_215-6del on transcript NM_006796.3 (MANE Select); 11 bases into the intron before coding-DNA position 215 through 6 bases into the intron before coding-DNA position 215, 6 bases deleted (TTTTCT; older notation c.215-11_215-6delTTTTCT).
Molecular consequence: intron variant.
Genome position (GRCh38, 1-based): chr18:12,370,932-12,370,937, AGAAAA deleted on the plus strand (TTTTCT on the coding strand, the reverse complement: AFG3L2 is on the minus strand); deleting any 6 consecutive bases within chr18:12,370,932-12,370,944 gives the same sequence; the c. name uses the placement nearest the transcript's 3' end. VCF-style (leftmost placement, unchanged base first): chr18-12370931-TAGAAAA-T. GRCh37 (hg19) VCF-style: chr18-12370930-TAGAAAA-T.
Other names: p.?; c.215-11_215-6delTTTTCT (NM_006796.2).
Identifiers: ClinVar variation 326112 (VCV000326112.52), dbSNP rs533823759, ClinGen allele CA8896806.

ClinVar aggregate classification (germline): Likely benign. Review status: criteria provided, multiple submitters, no conflicts (2 of 4 stars). 6 submissions from 6 submitters: Likely benign (6). Last evaluated 2025-11-06.

Submissions (6):

Mayo Clinic Laboratories, Mayo Clinic
Classification: Likely benign. Last evaluated: 2025-11-06. Review status: criteria provided, single submitter. Criteria: ACMG Guidelines, 2015. Collection method: clinical testing. Allele origin: germline. Observed: 3 variant alleles.
Comment: BP4, BP7

Labcorp Genetics (formerly Invitae), Labcorp
Classification: Likely benign. Last evaluated: 2025-10-08. Review status: criteria provided, single submitter. Criteria: Invitae Variant Classification Sherloc (09022015). Collection method: clinical testing. Allele origin: germline.

Blueprint Genetics
Classification: Likely benign. Last evaluated: 2024-10-16. Review status: criteria provided, single submitter. Criteria: ACMG Guidelines, 2015. Collection method: clinical testing. Allele origin: germline.

CeGaT Center for Human Genetics Tuebingen
Classification: Likely benign. Last evaluated: 2023-07-01. Review status: criteria provided, single submitter. Criteria: CeGaT Center For Human Genetics Tuebingen Variant Classification Criteria Version 2. Collection method: clinical testing. Allele origin: germline. Affected: yes. Observed: 3 variant alleles.
Comment: AFG3L2: BP4

GeneDx
Classification: Likely benign. Last evaluated: 2022-11-07. Review status: criteria provided, single submitter. Criteria: GeneDx Variant Classification Process June 2021. Collection method: clinical testing. Allele origin: germline. Affected: yes.
Comment: See Variant Classification Assertion Criteria.

Athena Diagnostics
Classification: Likely benign. Last evaluated: 2021-02-03. Review status: criteria provided, single submitter. Criteria: Athena Diagnostics criteria. Collection method: clinical testing. Allele origin: unknown.